The following is an entry in ClinVar:

ClinVar aggregate classification (germline): Uncertain significance (1 of 4 stars; one submission).

Conditions:
Beta-D-mannosidosis (MANSB). Also called: MANNOSIDOSIS, BETA A, LYSOSOMAL; BETA-MANNOSIDASE DEFICIENCY; LYSOSOMAL BETA-MANNOSIDASE DEFICIENCY; Beta-Mannosidosis. Identifiers: Orphanet 118, MedGen C4048196, MONDO:0009562, OMIM 248510.

Allele frequency attached by ClinVar (database versions not stated): gnomAD exomes below 0.00001; ExAC 0.00001.
gnomAD v4.1: 5 of 1,553,720 alleles (0.00032%); highest among the groups gnomAD compares: Admixed American, 0.0033%; no homozygotes.

Submission:

Labcorp Genetics (formerly Invitae), Labcorp
Classification: Uncertain significance for Beta-D-mannosidosis. Last evaluated: 2025-07-28. Review status: criteria provided, single submitter. Criteria: Invitae Variant Classification Sherloc (09022015). Collection method: clinical testing. Allele origin: germline.
Comment: This sequence change replaces glycine, which is neutral and non-polar, with valine, which is neutral and non-polar, at codon 408 of the MANBA protein (p.Gly408Val). This variant is present in population databases (rs773251337, gnomAD 0.003%). This variant has not been reported in the literature in individuals affected with MANBA-related conditions. ClinVar contains an entry for this variant (Variation ID: 1924208). Invitae Evidence Modeling of protein sequence and biophysical properties (such as structural, functional, and spatial information, amino acid conservation, physicochemical variation, residue mobility, and thermodynamic stability) indicates that this missense variant is expected to disrupt MANBA protein function with a positive predictive value of 80%. In summary, the available evidence is currently insufficient to determine the role of this variant in disease. Therefore, it has been classified as a Variant of Uncertain Significance.

NM_005908.4(MANBA):c.1223G>T (p.Gly408Val)

Gene: MANBA (mannosidase beta; minus strand). Cytogenetic location: 4q24.
Variant type: single nucleotide variant.
Coding change: c.1223G>T on transcript NM_005908.4 (MANE Select); coding-DNA position 1223, G replaced by T.
Protein change: p.Gly408Val; replaces glycine 408 with valine.
Molecular consequence: missense variant.
Genome position (GRCh38, 1-based): chr4:102,671,288, C>A on the plus strand (G>T on the coding strand, the complement: MANBA is on the minus strand). VCF-style: chr4-102671288-C-A. GRCh37 (hg19) VCF-style: chr4-103592445-C-A.
Other names: short protein forms G408V.
Identifiers: ClinVar variation 1924208 (VCV001924208.3), dbSNP rs773251337, ClinGen allele CA3026980.